The following is an entry in ClinVar:

ClinVar aggregate classification (germline): Conflicting classifications of pathogenicity. Review status: criteria provided, conflicting classifications (1 of 4 stars). 4 submissions from 4 submitters: Uncertain significance (1); Benign (1); Likely benign (2). Last evaluated 2026-06-29.

Conditions:
Sessile serrated polyposis cancer syndrome (SSPCS). Identifiers: Orphanet 157798, MedGen C4310714, MONDO:0014919, OMIM 617108.

Allele frequency attached by ClinVar (database versions not stated): ExAC 0.00012; gnomAD 0.00001; TOPMed 0.00001; gnomAD exomes 0.00001; ESP Exome Variant Server 0.00008.
gnomAD v4.1: 26 of 1,609,082 alleles (0.0016%); highest among the groups gnomAD compares: African/African-American, 0.0027%; no homozygotes.

Submissions (4):

Myriad Genetics, Inc.
Classification: Benign for Sessile serrated polyposis cancer syndrome. Last evaluated: 2026-06-29. Review status: criteria provided, single submitter. Criteria: Myriad Autosomal Dominant, Autosomal Recessive and X-Linked Classification Criteria (2023). Collection method: clinical testing. Allele origin: unknown.
Comment: This variant is considered benign. This variant is a silent/synonymous amino acid change and it is not expected to impact splicing.

Ambry Genetics
Classification: Likely benign. Last evaluated: 2024-11-25. Review status: criteria provided, single submitter. Criteria: Ambry Variant Classification Scheme 2023. Collection method: clinical testing. Allele origin: germline.

GeneDx
Classification: Uncertain significance. Last evaluated: 2024-07-02. Review status: criteria provided, single submitter. Criteria: GeneDx Variant Classification Process June 2021. Collection method: clinical testing. Allele origin: germline. Affected: yes.
Comment: In silico analysis indicates that this variant does not alter splicing; Has not been previously published as pathogenic or benign to our knowledge; Variants in candidate genes are classified as variants of uncertain significance in accordance with ACMG guidelines (PMID: 25741868)

Labcorp Genetics (formerly Invitae), Labcorp
Classification: Likely benign. Last evaluated: 2024-01-07. Review status: criteria provided, single submitter. Criteria: Invitae Variant Classification Sherloc (09022015). Collection method: clinical testing. Allele origin: germline.

NM_017763.6(RNF43):c.24G>A (p.Gln8=)

Gene: RNF43 (ring finger protein 43; minus strand). Cytogenetic location: 17q22.
Variant type: single nucleotide variant.
Coding change: c.24G>A on transcript NM_017763.6 (MANE Select); coding-DNA position 24, G replaced by A.
Protein change: p.Gln8=; no amino-acid change (glutamine 8 retained).
Molecular consequence: synonymous variant.
Genome position (GRCh38, 1-based): chr17:58,415,554, C>T on the plus strand (G>A on the coding strand, the complement: RNF43 is on the minus strand). VCF-style: chr17-58415554-C-T. GRCh37 (hg19) VCF-style: chr17-56492915-C-T.
Other names: c.24G>A, p.Gln8= (NM_001305544.3).
Identifiers: ClinVar variation 2890523 (VCV002890523.5), dbSNP rs149183435, ClinGen allele CA8673525.